The following is an entry in ClinVar:

NM_016203.4(PRKAG2):c.864A>C (p.Gln288His)

Gene: PRKAG2 (protein kinase AMP-activated non-catalytic subunit gamma 2; minus strand). Cytogenetic location: 7q36.1.
Variant type: single nucleotide variant.
Coding change: c.864A>C on transcript NM_016203.4 (MANE Select); coding-DNA position 864, A replaced by C.
Protein change: p.Gln288His; replaces glutamine 288 with histidine.
Molecular consequence: missense variant.
Genome position (GRCh38, 1-based): chr7:151,595,345, T>G on the plus strand (A>C on the coding strand, the complement: PRKAG2 is on the minus strand). VCF-style: chr7-151595345-T-G. GRCh37 (hg19) VCF-style: chr7-151292431-T-G.
Other names: c.732A>C, p.Gln244His (NM_001040633.2); c.489A>C, p.Gln163His (NM_001304527.2); c.141A>C, p.Gln47His (NM_001304531.2, NM_024429.2); c.492A>C, p.Gln164His (NM_001363698.2); short protein forms Q163H, Q164H, Q47H, Q244H, Q288H.
Identifiers: ClinVar variation 924365 (VCV000924365.3), dbSNP rs1814227620, ClinGen allele CA370069125.
Genomic context (GRCh38, chr7:151,595,345, plus strand): 5'-GTATAAAGTAGTAGCCATCCAAAAAATACCAAAAAATTCATGAAAATGGAGTACACTTAC[T>G]TGTAATGTAGTATCAAAGACAACAAGCTTTGAACTGGTTGGAACGATGTCATAACACTTG-3'
Protein context (NP_057287.2, residues 278-298): SKLVVFDTTL[Gln288His]VKKAFFALVA

ClinVar aggregate classification (germline): Uncertain significance (1 of 4 stars; one submission).

Conditions:
Cardiomyopathy (CMYO). Also called: Cardiomyopathies. Identifiers: Orphanet 167848, MedGen C0878544, MONDO:0004994, HP:0001638. Inheritance: Various modes of inheritance.

Submission:

Color Diagnostics, LLC DBA Color Health
Classification: Uncertain significance for Cardiomyopathy. Last evaluated: 2019-08-27. Review status: criteria provided, single submitter. Criteria: ACMG Guidelines, 2015. Collection method: clinical testing. Allele origin: germline.
Comment: This missense variant replaces glutamine with histidine at codon 288 of the PRKAG2 protein. Computational prediction tools and conservation analyses are inconclusive regarding the impact of this variant on protein structure and function. Splice site prediction tools suggest that this variant may not impact RNA splicing. To our knowledge, functional studies have not been performed for this variant. This variant has not been reported in individuals affected with cardiovascular disorders in the literature. This variant has not been identified in the general population by the Genome Aggregation Database (gnomAD). The available evidence is insufficient to determine the role of this variant in disease conclusively. Therefore, this variant is classified as a Variant of Uncertain Significance.